The following is an entry in ClinVar:

ClinVar aggregate classification (germline): Benign (0 of 4 stars; one submission).

Conditions:
TNFRSF25-related disorder. Also called: TNFRSF25-related condition.

Allele frequency attached by ClinVar (database versions not stated): 1000 Genomes Project 30x 0.01999; 1000 Genomes Project 0.02017; TOPMed 0.03548; ESP Exome Variant Server 0.03760; gnomAD 0.03824; ExAC 0.03961; gnomAD exomes 0.05128.
gnomAD v4.1: 80,294 of 1,614,016 alleles (5%); highest among the groups gnomAD compares: Non-Finnish European, 5.9%; 2,437 homozygotes.

Submissions (15):

PreventionGenetics, part of Exact Sciences
Classification: Benign for TNFRSF25-related condition. Last evaluated: 2019-11-25. Review status: no assertion criteria provided. Collection method: clinical testing. Allele origin: germline.
Comment: This variant is classified as benign based on ACMG/AMP sequence variant interpretation guidelines (Richards et al. 2015 PMID: 25741868, with internal and published modifications).

Dr. Peter K. Rogan Lab, Western University
No classification provided (evidence only). Condition: Acute myeloid leukemia. Review status: no classification provided. Collection method: in vitro. Allele origin: not applicable. Functional consequence: retained intron. Not counted in ClinVar's aggregate classification.

Dr. Peter K. Rogan Lab, Western University
No classification provided (evidence only). Condition: Acute myeloid leukemia. Review status: no classification provided. Collection method: in vitro. Allele origin: not applicable. Functional consequence: retained intron. Not counted in ClinVar's aggregate classification.

Dr. Peter K. Rogan Lab, Western University
No classification provided (evidence only). Condition: Acute myeloid leukemia. Review status: no classification provided. Collection method: in vitro. Allele origin: not applicable. Functional consequence: retained intron. Not counted in ClinVar's aggregate classification.

Dr. Peter K. Rogan Lab, Western University
No classification provided (evidence only). Condition: Acute myeloid leukemia. Review status: no classification provided. Collection method: in vitro. Allele origin: not applicable. Functional consequence: retained intron. Not counted in ClinVar's aggregate classification.

Dr. Peter K. Rogan Lab, Western University
No classification provided (evidence only). Condition: Acute myeloid leukemia. Review status: no classification provided. Collection method: in vitro. Allele origin: not applicable. Functional consequence: retained intron. Not counted in ClinVar's aggregate classification.

Dr. Peter K. Rogan Lab, Western University
No classification provided (evidence only). Condition: Colon adenocarcinoma. Review status: no classification provided. Collection method: in vitro. Allele origin: not applicable. Functional consequence: retained intron. Not counted in ClinVar's aggregate classification.

Dr. Peter K. Rogan Lab, Western University
No classification provided (evidence only). Condition: Colon adenocarcinoma. Review status: no classification provided. Collection method: in vitro. Allele origin: not applicable. Functional consequence: retained intron. Not counted in ClinVar's aggregate classification.

Dr. Peter K. Rogan Lab, Western University
No classification provided (evidence only). Condition: Colon adenocarcinoma. Review status: no classification provided. Collection method: in vitro. Allele origin: not applicable. Functional consequence: retained intron. Not counted in ClinVar's aggregate classification.

Dr. Peter K. Rogan Lab, Western University
No classification provided (evidence only). Condition: Uterine corpus endometrial carcinoma. Review status: no classification provided. Collection method: in vitro. Allele origin: not applicable. Functional consequence: retained intron. Not counted in ClinVar's aggregate classification.

Dr. Peter K. Rogan Lab, Western University
No classification provided (evidence only). Condition: Uterine corpus endometrial carcinoma. Review status: no classification provided. Collection method: in vitro. Allele origin: not applicable. Functional consequence: retained intron. Not counted in ClinVar's aggregate classification.

Dr. Peter K. Rogan Lab, Western University
No classification provided (evidence only). Condition: Uterine corpus endometrial carcinoma. Review status: no classification provided. Collection method: in vitro. Allele origin: not applicable. Functional consequence: retained intron. Not counted in ClinVar's aggregate classification.

Dr. Peter K. Rogan Lab, Western University
No classification provided (evidence only). Condition: Thymoma. Review status: no classification provided. Collection method: in vitro. Allele origin: not applicable. Functional consequence: retained intron. Not counted in ClinVar's aggregate classification.

Dr. Peter K. Rogan Lab, Western University
No classification provided (evidence only). Condition: Uterine carcinosarcoma. Review status: no classification provided. Collection method: in vitro. Allele origin: not applicable. Functional consequence: retained intron. Not counted in ClinVar's aggregate classification.

Dr. Peter K. Rogan Lab, Western University
No classification provided (evidence only). Condition: Uveal melanoma. Review status: no classification provided. Collection method: in vitro. Allele origin: not applicable. Functional consequence: retained intron. Not counted in ClinVar's aggregate classification.

NM_003790.3(TNFRSF25):c.387A>G (p.Gln129=)

Gene: TNFRSF25 (TNF receptor superfamily member 25; minus strand). Cytogenetic location: 1p36.31.
Variant type: single nucleotide variant.
Coding change: c.387A>G on transcript NM_003790.3 (MANE Select); coding-DNA position 387, A replaced by G.
Protein change: p.Gln129=; no amino-acid change (glutamine 129 retained).
Molecular consequence: synonymous variant. On other transcripts: intron variant (1).
Genome position (GRCh38, 1-based): chr1:6,464,628, T>C on the plus strand (A>G on the coding strand, the complement: TNFRSF25 is on the minus strand). VCF-style: chr1-6464628-T-C. GRCh37 (hg19) VCF-style: chr1-6524688-T-C.
Other names: NC_000001.10:g.6524688T>C; c.387A>G, p.Gln129= (NM_001039664.2, NM_148965.2, NM_148966.2); c.252A>G, p.Gln84= (NM_148967.2); c.160+812A>G (NM_148970.2).
Identifiers: ClinVar variation 3056091 (VCV003056091.3), dbSNP rs3170675, ClinGen allele CA560881.
Genomic context (GRCh38, chr1:6,464,628, plus strand): 5'-GCGGTGCAGGGCCCCGCAGTCTAGGCATGGTTGGCAGTAGAAGGGTGAACTGCTGACACA[T>C]TGGCTGACCTGGCACTCCACAAACCAGCCTGGCTTACAGCCACAGCGGGTGTCGGCCACT-3'
Protein context (NP_003781.1, residues 119-139): PGWFVECQVS[Gln129=]CVSSSPFYCQ